The following is an entry in ClinVar:

NM_031263.4(HNRNPK):c.1074dup (p.Met359fs)

Gene: HNRNPK (heterogeneous nuclear ribonucleoprotein K; minus strand). Cytogenetic location: 9q21.32.
Variant type: Duplication.
Coding change: c.1074dup on transcript NM_031263.4 (MANE Select); coding-DNA position 1074, one base duplicated (G; older notation c.1074dupG).
Protein change: p.Met359fs; shifts the reading frame from methionine 359.
Molecular consequence: frameshift variant.
Genome position (GRCh38, 1-based): chr9:83,971,291, C duplicated on the plus strand (G on the coding strand, the reverse complement: HNRNPK is on the minus strand). VCF-style (leftmost placement, unchanged base first): chr9-83971290-T-TC. GRCh37 (hg19) VCF-style: chr9-86586205-T-TC.
Other names: c.1002dup, p.Met335fs (NM_001318186.2, NM_001318187.2); c.1074dup, p.Met359fs (NM_001318188.2, NM_002140.5, NM_031262.4); short protein forms M335fs, M359fs.
Identifiers: ClinVar variation 3764099 (VCV003764099.1).

ClinVar aggregate classification (germline): Pathogenic (1 of 4 stars; one submission).

Conditions:
Au-Kline syndrome. Also called: Neurodevelopmental disorder-craniofacial dysmorphism-cardiac defect-hip dysplasia syndrome due to a point mutation; Okamoto syndrome. Identifiers: Orphanet 2729, Orphanet 453499, Orphanet 453504, MedGen C4225274, MONDO:0014700, OMIM 616580.

Submission:

Medical Laboratory, The Third Affiliated Hospital of Shenzhen University
Classification: Pathogenic for Au-Kline syndrome. Last evaluated: 2023-03-15. Review status: criteria provided, single submitter. Criteria: ACMG Guidelines, 2015. Collection method: clinical testing. Allele origin: de novo. Inheritance: Autosomal dominant inheritance. Affected: yes. Observed: 1 heterozygote.
Comment: One base duplication in Exon 13 of hnRNPK, which would lead to a translational frameshift. The truncated protein lost an important functional domain (KH Domain Ⅲ) and the truncated protein was predicted to activate nonsense-mediated mRNA decay (NMD). Obstetric ultrasound showed cystic hygroma of the neck, bilateral branchial cysts, megacystis, thickened nuchal fold and Aberrant Right Subclavian Artery‌ (ARSA).